The following is an entry in ClinVar:

NC_000002.11:g.(?_233194503)_(233399072_?)dup

Genes: CHRND (cholinergic receptor nicotinic delta subunit; plus strand), ALPI (alkaline phosphatase, intestinal; plus strand), ALPP (alkaline phosphatase, placental; plus strand), ECEL1 (endothelin converting enzyme like 1; minus strand), PRSS56 (serine protease 56; plus strand) and 2 more. Cytogenetic location: 2q37.1.
Variant type: Duplication.
Identifiers: ClinVar variation 3247277 (VCV003247277.1).

ClinVar aggregate classification (germline): Uncertain significance (1 of 4 stars; one submission).

Conditions:
Lethal multiple pterygium syndrome (LMPS). Identifiers: Orphanet 33108, MedGen C1854678, MONDO:0009668, OMIM 253290.

Submission:

Labcorp Genetics (formerly Invitae), Labcorp
Classification: Uncertain significance for Lethal multiple pterygium syndrome. Last evaluated: 2023-11-22. Review status: criteria provided, single submitter. Criteria: Invitae Variant Classification Sherloc (09022015). Collection method: clinical testing. Allele origin: unknown.
Comment: This variant results in a copy number gain of the genomic region encompassing exon(s) 1-11 of the CHRND gene. This region includes the initiator codon of the gene. This copy number gain extends beyond the assayed region for this gene and therefore may encompass additional genes. As the precise location of this event is unknown, it may be in tandem or it may be located elsewhere in the genome. This variant has not been reported in the literature in individuals affected with CHRND-related conditions. In summary, the available evidence is currently insufficient to determine the role of this variant in disease. Therefore, it has been classified as a Variant of Uncertain Significance.